The following is an entry in ClinVar:

NM_001267550.2(TTN):c.69287C>T (p.Ser23096Phe)

Genes: TTN (titin; minus strand), TTN-AS1 (TTN antisense RNA 1; plus strand). Cytogenetic location: 2q31.2.
Variant type: single nucleotide variant.
Coding change: c.69287C>T on transcript NM_001267550.2 (MANE Select); coding-DNA position 69287, C replaced by T.
Protein change: p.Ser23096Phe; replaces serine 23096 with phenylalanine.
Molecular consequence: missense variant.
Genome position (GRCh38, 1-based): chr2:178,577,048, G>A on the plus strand (C>T on the coding strand, the complement: TTN is on the minus strand). VCF-style: chr2-178577048-G-A. GRCh37 (hg19) VCF-style: chr2-179441775-G-A.
Other names: p.Ser20528Phe; c.64364C>T, p.Ser21455Phe (NM_001256850.1); c.42092C>T, p.Ser14031Phe (NM_003319.4); c.61583C>T, p.Ser20528Phe (NM_133378.4); c.42467C>T, p.Ser14156Phe (NM_133432.3); c.42668C>T, p.Ser14223Phe (NM_133437.4); short protein forms S21455F, S23096F, S14156F, S14031F, S14223F, S20528F.
Identifiers: ClinVar variation 626662 (VCV000626662.6), dbSNP rs775422985, ClinGen allele CA1990956.
Genomic context (GRCh38, chr2:178,577,048, plus strand): 5'-GCTGAGACCCGGAAGATGTACTCATTTCCTTGGATAAGTTTGGTTGCCACATGCCTGCAA[G>A]ACTGAATATCTTCAGAAACCACTGTCCACAAAAGTCGGCTGGTTTCTCTCTTTTCAAGTA-3'
Protein context (NP_001254479.2, residues 23086-23106): LWTVVSEDIQ[Ser23096Phe]CRHVATKLIQ

ClinVar aggregate classification (germline): Uncertain significance. Review status: criteria provided, multiple submitters, no conflicts (2 of 4 stars). 3 submissions from 3 submitters: Uncertain significance (3). Last evaluated 2024-02-22.

Conditions:
Cardiomyopathy (CMYO). Also called: Cardiomyopathies. Identifiers: Orphanet 167848, MedGen C0878544, MONDO:0004994, HP:0001638. Inheritance: Various modes of inheritance.

Allele frequency attached by ClinVar (database versions not stated): gnomAD 0.00001; ExAC 0.00002; gnomAD exomes 0.00002.
gnomAD v4.1: 26 of 1,613,450 alleles (0.0016%); highest among the groups gnomAD compares: East Asian, 0.058%; no homozygotes.

Submissions (3):

Mayo Clinic Laboratories, Mayo Clinic
Classification: Uncertain significance. Last evaluated: 2024-02-22. Review status: criteria provided, single submitter. Criteria: ACMG Guidelines, 2015. Collection method: clinical testing. Allele origin: germline. Observed: 1 variant allele.
Comment: BP4

Revvity Omics, Revvity
Classification: Uncertain significance. Last evaluated: 2022-03-02. Review status: criteria provided, single submitter. Criteria: ACMG Guidelines, 2015. Collection method: clinical testing. Allele origin: germline.

CHEO Genetics Diagnostic Laboratory, Children's Hospital of Eastern Ontario
Classification: Uncertain significance for Cardiomyopathy. Last evaluated: 2015-12-07. Review status: criteria provided, single submitter. Criteria: ACMG Guidelines, 2015. Collection method: clinical testing. Allele origin: germline. Study: Canadian Open Genetics Repository.